The following is an entry in ClinVar:

NM_001458.5(FLNC):c.3217A>C (p.Lys1073Gln)

Gene: FLNC (filamin C; plus strand). Cytogenetic location: 7q32.1.
Variant type: single nucleotide variant.
Coding change: c.3217A>C on transcript NM_001458.5 (MANE Select); coding-DNA position 3217, A replaced by C.
Protein change: p.Lys1073Gln; replaces lysine 1073 with glutamine.
Molecular consequence: missense variant.
Genome position (GRCh38, 1-based): chr7:128,844,682, A>C. VCF-style: chr7-128844682-A-C. GRCh37 (hg19) VCF-style: chr7-128484736-A-C.
Other names: c.3217A>C, p.Lys1073Gln (NM_001127487.2); short protein forms K1073Q.
Identifiers: ClinVar variation 1518535 (VCV001518535.8), dbSNP rs2128936345, ClinGen allele CA369196158.
Genomic context (GRCh38, chr7:128,844,682, plus strand): 5'-AGGTGCAGGGAACCCACAACCTGCCTCTTCCCCTAGGTCTGTGCTTATGGCCCGGGTCTC[A>C]AGGGTGGACTGGTAGGCACCCCCGCGCCATTCTCCATCGACACCAAGGGGGCTGGCACAG-3'
Protein context (NP_001449.3, residues 1063-1083): SKVCAYGPGL[Lys1073Gln]GGLVGTPAPF

ClinVar aggregate classification (germline): Uncertain significance (1 of 4 stars; one submission).

Conditions:
Myofibrillar myopathy 5. Also called: Filaminopathy (type); FILAMINOPATHY, AUTOSOMAL DOMINANT. Identifiers: Orphanet 171445, MedGen C1836050, MONDO:0012289, OMIM 609524.
Hypertrophic cardiomyopathy 26. Also called: Cardiomyopathy, familial hypertrophic, 26. Identifiers: Orphanet 75249, MedGen C4310749, MONDO:0014883, OMIM 617047.
Distal myopathy with posterior leg and anterior hand involvement. Also called: WILLIAMS DISTAL MYOPATHY. Identifiers: Orphanet 63273, MedGen C3279722, MONDO:0013550, OMIM 614065.

Submission:

Labcorp Genetics (formerly Invitae), Labcorp
Classification: Uncertain significance for Distal myopathy with posterior leg and anterior hand involvement; Myofibrillar myopathy 5; Hypertrophic cardiomyopathy 26. Last evaluated: 2021-01-25. Review status: criteria provided, single submitter. Criteria: Invitae Variant Classification Sherloc (09022015). Collection method: clinical testing. Allele origin: germline.
Comment: In summary, the available evidence is currently insufficient to determine the role of this variant in disease. Therefore, it has been classified as a Variant of Uncertain Significance. Algorithms developed to predict the effect of sequence changes on RNA splicing suggest that this variant may create or strengthen a splice site, but this prediction has not been confirmed by published transcriptional studies. Algorithms developed to predict the effect of missense changes on protein structure and function (SIFT, PolyPhen-2, Align-GVGD) all suggest that this variant is likely to be tolerated, but these predictions have not been confirmed by published functional studies and their clinical significance is uncertain. This variant has not been reported in the literature in individuals with FLNC-related conditions. This variant is not present in population databases (ExAC no frequency). This sequence change replaces lysine with glutamine at codon 1073 of the FLNC protein (p.Lys1073Gln). The lysine residue is moderately conserved and there is a small physicochemical difference between lysine and glutamine.